The following is an entry in ClinVar:

NM_024419.5(PGS1):c.1395C>T (p.His465=)

Gene: PGS1 (phosphatidylglycerophosphate synthase 1; plus strand). Cytogenetic location: 17q25.3.
Variant type: single nucleotide variant.
Coding change: c.1395C>T on transcript NM_024419.5 (MANE Select); coding-DNA position 1395, C replaced by T.
Protein change: p.His465=; no amino-acid change (histidine 465 retained).
Molecular consequence: synonymous variant. On other transcripts: non-coding transcript variant (3).
Genome position (GRCh38, 1-based): chr17:78,404,082, C>T. VCF-style: chr17-78404082-C-T. GRCh37 (hg19) VCF-style: chr17-76400163-C-T.
Identifiers: ClinVar variation 2648340 (VCV002648340.24), dbSNP rs149054158, ClinGen allele CA8799387.

ClinVar aggregate classification (germline): Likely benign (1 of 4 stars; one submission).

Allele frequency attached by ClinVar (database versions not stated): 1000 Genomes Project 30x 0.00094; 1000 Genomes Project 0.00120; gnomAD 0.00263; TOPMed 0.00278; gnomAD exomes 0.00288; ESP Exome Variant Server 0.00409; ExAC 0.00492.
gnomAD v4.1: 4,556 of 1,563,132 alleles (0.29%); highest among the groups gnomAD compares: Middle Eastern, 2.4%; 8 homozygotes.

Submission:

CeGaT Center for Human Genetics Tuebingen
Classification: Likely benign. Last evaluated: 2023-04-01. Review status: criteria provided, single submitter. Criteria: CeGaT Center For Human Genetics Tuebingen Variant Classification Criteria Version 2. Collection method: clinical testing. Allele origin: germline. Affected: yes. Observed: 1 variant allele.
Comment: PGS1: BP4, BP7